The following is an entry in ClinVar:

NM_004380.3(CREBBP):c.6071C>G (p.Ala2024Gly)

Gene: CREBBP (CREB binding lysine acetyltransferase; minus strand). Cytogenetic location: 16p13.3.
Variant type: single nucleotide variant.
Coding change: c.6071C>G on transcript NM_004380.3 (MANE Select); coding-DNA position 6071, C replaced by G.
Protein change: p.Ala2024Gly; replaces alanine 2024 with glycine.
Molecular consequence: missense variant.
Genome position (GRCh38, 1-based): chr16:3,728,976, G>C on the plus strand (C>G on the coding strand, the complement: CREBBP is on the minus strand). VCF-style: chr16-3728976-G-C. GRCh37 (hg19) VCF-style: chr16-3778977-G-C.
Other names: c.5957C>G, p.Ala1986Gly (NM_001079846.1); short protein forms A1986G, A2024G.
Identifiers: ClinVar variation 2167675 (VCV002167675.4), dbSNP rs745551441, ClinGen allele CA394554352.
Genomic context (GRCh38, chr16:3,728,976, plus strand): 5'-GCCTGCATGGATATCACAGGCCTGGGCAAGCCTGGCATGGGCTGCTGCTGGGGAAGGGGC[G>C]CCTGCTGCCACTGCCCGGGAGGCATGCTGGGCATGACGGGCCCGCTCACCTGGTTGGGTC-3'
Protein context (NP_004371.2, residues 2014-2034): PSMPPGQWQQ[Ala2024Gly]PLPQQQPMPG

ClinVar aggregate classification (germline): Uncertain significance (1 of 4 stars; one submission).

Conditions:
Rubinstein-Taybi syndrome (RSTS). Identifiers: Orphanet 783, MedGen C0035934, MONDO:0019188.

gnomAD v4.1: 1 of 1,595,428 alleles (0.000063%); highest among the groups gnomAD compares: Admixed American, 0.0017%; no homozygotes.

Submission:

Labcorp Genetics (formerly Invitae), Labcorp
Classification: Uncertain significance for Rubinstein-Taybi syndrome. Last evaluated: 2024-04-16. Review status: criteria provided, single submitter. Criteria: Invitae Variant Classification Sherloc (09022015). Collection method: clinical testing. Allele origin: germline.
Comment: This sequence change replaces alanine, which is neutral and non-polar, with glycine, which is neutral and non-polar, at codon 2024 of the CREBBP protein (p.Ala2024Gly). This variant is not present in population databases (gnomAD no frequency). This variant has not been reported in the literature in individuals affected with CREBBP-related conditions. ClinVar contains an entry for this variant (Variation ID: 2167675). Algorithms developed to predict the effect of missense changes on protein structure and function output the following: SIFT: "Not Available"; PolyPhen-2: "Not Available"; Align-GVGD: "Not Available". The glycine amino acid residue is found in multiple mammalian species, which suggests that this missense change does not adversely affect protein function. In summary, the available evidence is currently insufficient to determine the role of this variant in disease. Therefore, it has been classified as a Variant of Uncertain Significance.